The following is an entry in ClinVar:

NM_001001548.3(CD36):c.573G>A (p.Pro191=)

Gene: CD36 (CD36 molecule (CD36 blood group); plus strand). Cytogenetic location: 7q21.11.
Variant type: single nucleotide variant.
Coding change: c.573G>A on transcript NM_001001548.3 (MANE Select); coding-DNA position 573, G replaced by A.
Protein change: p.Pro191=; no amino-acid change (proline 191 retained).
Molecular consequence: synonymous variant. On other transcripts: non-coding transcript variant (1), intron variant (1).
Genome position (GRCh38, 1-based): chr7:80,663,133, G>A. VCF-style: chr7-80663133-G-A. GRCh37 (hg19) VCF-style: chr7-80292449-G-A.
Other names: c.573G>A, p.Pro191= (NM_000072.3, NM_001001547.3, NM_001127443.2 and 6 more transcripts); c.345G>A, p.Pro115= (NM_001289911.2); c.471G>A, p.Pro157= (NM_001371079.1); c.108G>A, p.Pro36= (NM_001371080.1, NM_001371081.1); c.430-1273G>A (NM_001289909.1).
Identifiers: ClinVar variation 910697 (VCV000910697.6), dbSNP rs5956, ClinGen allele CA4315238.

ClinVar aggregate classification (germline): Conflicting classifications of pathogenicity. Review status: criteria provided, conflicting classifications (1 of 4 stars). 2 submissions from 2 submitters: Uncertain significance (1); Benign (1). Last evaluated 2021-06-09.

Conditions:
Platelet-type bleeding disorder 10. Also called: CD36 DEFICIENCY. Identifiers: MedGen C1842090, MONDO:0012031, OMIM 608404.

Allele frequency attached by ClinVar (database versions not stated): 1000 Genomes Project 30x 0.00828; 1000 Genomes Project 0.00879; TOPMed 0.01484; gnomAD 0.01875 and 0.01947; gnomAD exomes 0.01876 and 0.02477; ESP Exome Variant Server 0.01899; ExAC 0.01908.
gnomAD v4.1: 38,605 of 1,613,100 alleles (2.4%); highest among the groups gnomAD compares: Non-Finnish European, 2.8%; 579 homozygotes.

Submissions (2):

GeneDx
Classification: Benign. Last evaluated: 2021-06-09. Review status: criteria provided, single submitter. Criteria: GeneDx Variant Classification Process June 2021. Collection method: clinical testing. Allele origin: germline. Affected: yes.

Illumina Laboratory Services, Illumina
Classification: Uncertain significance for Platelet-type bleeding disorder 10. Last evaluated: 2017-04-27. Review status: criteria provided, single submitter. Criteria: ICSL Variant Classification Criteria 13 December 2019. Collection method: clinical testing. Allele origin: germline.
Comment: This variant was observed as part of a predisposition screen in an ostensibly healthy population. A literature search was performed for the gene, cDNA change, and amino acid change (where applicable). Publications were found based on this search. However, the evidence from the literature, in combination with allele frequency data from public databases where available, was not sufficient to rule this variant in or out of causing disease. Therefore, this variant is classified as a variant of unknown significance.

Literature cited by the submitters: PubMed 15671915 (cited by Illumina Laboratory Services, Illumina); PubMed 22993001 (cited by Illumina Laboratory Services, Illumina).